The following is an entry in ClinVar:

ClinVar aggregate classification (germline): Likely benign. Review status: criteria provided, single submitter (1 of 4 stars). 2 submissions from 2 submitters: Likely benign (1). 1 of the submissions does not count toward it. Last evaluated 2025-05-07.

Conditions:
ALDOA-related disorder. Also called: ALDOA-related condition.
HNSHA due to aldolase A deficiency (GSD12). Also called: GLYCOGEN STORAGE DISEASE XII; GSD XII; RED CELL ALDOLASE DEFICIENCY; Glycogen storage disease due to aldolase A deficiency. Identifiers: Orphanet 57, MedGen C0272066, MONDO:0012747, OMIM 611881.

Allele frequency attached by ClinVar (database versions not stated): ExAC 0.00001; gnomAD exomes 0.00001; gnomAD 0.00003.
gnomAD v4.1: 16 of 1,614,000 alleles (0.00099%); highest among the groups gnomAD compares: Non-Finnish European, 0.0012%; no homozygotes.

Submissions (2):

Labcorp Genetics (formerly Invitae), Labcorp
Classification: Likely benign for HNSHA due to aldolase A deficiency. Last evaluated: 2025-05-07. Review status: criteria provided, single submitter. Criteria: Invitae Variant Classification Sherloc (09022015). Collection method: clinical testing. Allele origin: germline.

PreventionGenetics, part of Exact Sciences
Classification: Likely benign for ALDOA-related condition. Last evaluated: 2022-04-20. Review status: no assertion criteria provided. Collection method: clinical testing. Allele origin: germline. Not counted in ClinVar's aggregate classification.
Comment: This variant is classified as likely benign based on ACMG/AMP sequence variant interpretation guidelines (Richards et al. 2015 PMID: 25741868, with internal and published modifications).

NM_001243177.4(ALDOA):c.1248C>T (p.His416=)

Genes: ALDOA (aldolase, fructose-bisphosphate A; plus strand), LOC112694756 (uncharaterized LOC112694756; plus strand). Cytogenetic location: 16p11.2.
Variant type: single nucleotide variant.
Coding change: c.1248C>T on transcript NM_001243177.4 (MANE Select); coding-DNA position 1248, C replaced by T.
Protein change: p.His416=; no amino-acid change (histidine 416 retained).
Molecular consequence: synonymous variant. On other transcripts: 3 prime UTR variant (3).
Genome position (GRCh38, 1-based): chr16:30,070,203, C>T. VCF-style: chr16-30070203-C-T. GRCh37 (hg19) VCF-style: chr16-30081524-C-T.
Other names: NM_000034.3:c.1086C>T; c.*1595C>T (NM_001365304.2, NM_001365305.2, NM_001365307.2); c.1086C>T, p.His362= (NM_001127617.2, NM_184041.5, NM_184043.2).
Identifiers: ClinVar variation 2914036 (VCV002914036.5), dbSNP rs753739488, ClinGen allele CA8001260.